The following is an entry in ClinVar:

ClinVar aggregate classification (germline): Pathogenic (1 of 4 stars; one submission).

Conditions:
Charcot-Marie-Tooth disease type 2. Also called: Charcot-Marie-Tooth type 2. Identifiers: Orphanet 64746, MedGen C0270914, MONDO:0018993.

Submission:

Labcorp Genetics (formerly Invitae), Labcorp
Classification: Pathogenic for Charcot-Marie-Tooth disease type 2. Last evaluated: 2023-06-30. Review status: criteria provided, single submitter. Criteria: Invitae Variant Classification Sherloc (09022015). Collection method: clinical testing. Allele origin: germline.
Comment: For these reasons, this variant has been classified as Pathogenic. Algorithms developed to predict the effect of sequence changes on RNA splicing suggest that this variant may disrupt the consensus splice site. ClinVar contains an entry for this variant (Variation ID: 2099187). This variant has not been reported in the literature in individuals affected with MFN2-related conditions. This variant is not present in population databases (gnomAD no frequency). This sequence change creates a premature translational stop signal (p.Ala326Argfs*12) in the MFN2 gene. It is expected to result in an absent or disrupted protein product. Loss-of-function variants in MFN2 are known to be pathogenic (PMID: 16714318, 16835246, 21715711, 23781337, 26955893).

Literature cited by the submitters: PubMed 16714318; PubMed 16835246; PubMed 21715711; PubMed 23781337; PubMed 26955893.

NC_000001.11:g.12001772dup

Gene: MFN2 (mitofusin 2; plus strand). Cytogenetic location: 1p36.22.
Variant type: Duplication.
Genome position: GRCh38 VCF-style: chr1-12001767-A-AG. GRCh37 (hg19) VCF-style: chr1-12061824-A-AG.
Identifiers: ClinVar variation 2099187 (VCV002099187.5), dbSNP rs1286723655, ClinGen allele CA645512142.
Genomic context (GRCh38, chr1:12,001,767, plus strand): 5'-GATTTCATCGTTTTCCTCTGCTGCCAAGTTGTTTCTGGACTAATGCAGTACAATCCTCCT[A>AG]GGGGGCGCTCTCGCAGAAGGCTTTCAAGTGAGGATGTTTGAGTTTCAGAATTTTGAGAGG-3'